The following is an entry in ClinVar:

ClinVar aggregate classification (germline): Benign/Likely benign. Review status: criteria provided, multiple submitters, no conflicts (2 of 4 stars). 6 submissions from 6 submitters: Benign (1); Likely benign (5). Last evaluated 2026-01-14.

Conditions:
Hereditary nonpolyposis colorectal neoplasms. Identifiers: MedGen C0009405, MeSH D003123.
Lynch syndrome. Identifiers: Orphanet 144, MedGen C4552100, MONDO:0005835. Disease mechanism: loss of function.
Hereditary cancer-predisposing syndrome. Also called: Tumor predisposition; Hereditary Cancer Syndrome; Neoplastic Syndromes, Hereditary; Hereditary neoplastic syndrome. Identifiers: Orphanet 140162, MedGen C0027672, MeSH D009386, MONDO:0015356.
Lynch syndrome 5 (LYNCH5). Also called: Colorectal cancer, hereditary nonpolyposis, type 5; Hereditary non-polyposis colorectal cancer, type 5. Identifiers: Orphanet 144, MedGen C1833477, MONDO:0013710, OMIM 614350. Disease mechanism: loss of function.

gnomAD v4.1: 2 of 1,614,140 alleles (0.00012%); highest among the groups gnomAD compares: Non-Finnish European, 0.00017%; no homozygotes.

Submissions (6):

Women's Health and Genetics/Laboratory Corporation of America, LabCorp
Classification: Likely benign. Last evaluated: 2026-01-14. Review status: criteria provided, single submitter. Criteria: LabCorp Variant Classification Summary - May 2015. Collection method: clinical testing. Allele origin: germline.

Labcorp Genetics (formerly Invitae), Labcorp
Classification: Likely benign for Hereditary nonpolyposis colorectal neoplasms. Last evaluated: 2025-07-14. Review status: criteria provided, single submitter. Criteria: Invitae Variant Classification Sherloc (09022015). Collection method: clinical testing. Allele origin: germline.

Myriad Genetics, Inc.
Classification: Benign for Lynch syndrome 5. Last evaluated: 2025-01-06. Review status: criteria provided, single submitter. Criteria: Myriad Autosomal Dominant, Autosomal Recessive and X-Linked Classification Criteria (2023). Collection method: clinical testing. Allele origin: unknown.
Comment: This variant is considered benign. This variant is a silent/synonymous amino acid change and it is not expected to impact splicing.

All of Us Research Program, National Institutes of Health
Classification: Likely benign for Lynch syndrome. Last evaluated: 2023-10-02. Review status: criteria provided, single submitter. Criteria: ACMG Guidelines, 2015. Collection method: clinical testing. Allele origin: germline. Inheritance: Autosomal dominant inheritance. Observed: 1 variant allele, 1 heterozygote.
Comment: This study involves interpretation of variants in research participants for the purpose of population health screening. Participant phenotype was not available at the time of variant classification. Additional details can be found in publication PMID: 35346344, PMCID: PMC8962531

Color Diagnostics, LLC DBA Color Health
Classification: Likely benign for Hereditary cancer-predisposing syndrome. Last evaluated: 2019-06-24. Review status: criteria provided, single submitter. Criteria: ACMG Guidelines, 2015. Collection method: clinical testing. Allele origin: germline.

Ambry Genetics
Classification: Likely benign for Hereditary cancer-predisposing syndrome. Last evaluated: 2019-05-09. Review status: criteria provided, single submitter. Criteria: Ambry Variant Classification Scheme 2023. Collection method: clinical testing. Allele origin: germline.

NM_000179.3(MSH6):c.3261C>A (p.Pro1087=)

Gene: MSH6 (mutS homolog 6; plus strand). Cytogenetic location: 2p16.3.
Variant type: single nucleotide variant.
Coding change: c.3261C>A on transcript NM_000179.3 (MANE Select); coding-DNA position 3261, C replaced by A.
Protein change: p.Pro1087=; no amino-acid change (proline 1087 retained).
Molecular consequence: synonymous variant.
Genome position (GRCh38, 1-based): chr2:47,803,508, C>A. VCF-style: chr2-47803508-C-A. GRCh37 (hg19) VCF-style: chr2-48030647-C-A.
Other names: c.2871C>A, p.Pro957= (NM_001281492.2); c.2355C>A, p.Pro785= (NM_001281493.2, NM_001281494.2).
Identifiers: ClinVar variation 823336 (VCV000823336.14), dbSNP rs370226185, ClinGen allele CA426121866.
Genomic context (GRCh38, chr2:47,803,508, plus strand): 5'-TCGAGGGGGTGATGGTCCTATGTGTCGCCCAGTAATTCTGTTGCCGGAAGATACCCCCCC[C>A]TTCTTAGAGCTTAAAGGATCACGCCATCCTTGCATTACGAAGACTTTTTTTGGAGATGAT-3'
Protein context (NP_000170.1, residues 1077-1097): PVILLPEDTP[Pro1087=]FLELKGSRHP